The following is an entry in ClinVar:

ClinVar aggregate classification (germline): Uncertain significance (1 of 4 stars; one submission).

Conditions:
Hereditary diffuse gastric adenocarcinoma (HDGC). Also called: DIFFUSE GASTRIC AND LOBULAR BREAST CANCER SYNDROME. Identifiers: Orphanet 26106, MedGen C1708349, MONDO:0007648, OMIM 137215.

Submission:

Labcorp Genetics (formerly Invitae), Labcorp
Classification: Uncertain significance for Hereditary diffuse gastric adenocarcinoma. Last evaluated: 2025-05-01. Review status: criteria provided, single submitter. Criteria: Invitae Variant Classification Sherloc (09022015). Collection method: clinical testing. Allele origin: germline.
Comment: This sequence change replaces proline, which is neutral and non-polar, with threonine, which is neutral and polar, at codon 607 of the CDH1 protein (p.Pro607Thr). This variant is not present in population databases (gnomAD no frequency). This variant has not been reported in the literature in individuals affected with CDH1-related conditions. ClinVar contains an entry for this variant (Variation ID: 2125893). An algorithm developed to predict the effect of missense changes on protein structure and function (PolyPhen-2) suggests that this variant is likely to be disruptive. In summary, the available evidence is currently insufficient to determine the role of this variant in disease. Therefore, it has been classified as a Variant of Uncertain Significance.

NM_004360.5(CDH1):c.1819C>A (p.Pro607Thr)

Gene: CDH1 (cadherin 1; plus strand). Cytogenetic location: 16q22.1.
Variant type: single nucleotide variant.
Coding change: c.1819C>A on transcript NM_004360.5 (MANE Select); coding-DNA position 1819, C replaced by A.
Protein change: p.Pro607Thr; replaces proline 607 with threonine.
Molecular consequence: missense variant. On other transcripts: 5 prime UTR variant (1).
Genome position (GRCh38, 1-based): chr16:68,822,108, C>A. VCF-style: chr16-68822108-C-A. GRCh37 (hg19) VCF-style: chr16-68856011-C-A.
Other names: c.1636C>A, p.Pro546Thr (NM_001317184.2); c.271C>A, p.Pro91Thr (NM_001317185.2); c.-147C>A (NM_001317186.2); short protein forms P91T, P546T, P607T.
Identifiers: ClinVar variation 2125893 (VCV002125893.4), dbSNP rs2152138369, ClinGen allele CA396466833.